The following is an entry in ClinVar:

ClinVar aggregate classification (germline): Uncertain significance (1 of 4 stars; one submission).

Allele frequency attached by ClinVar (database versions not stated): gnomAD exomes below 0.00001.
gnomAD v4.1: 1 of 1,614,032 alleles (0.000062%); highest among the groups gnomAD compares: Non-Finnish European, 0.000085%; no homozygotes.

Submission:

Labcorp Genetics (formerly Invitae), Labcorp
Classification: Uncertain significance. Last evaluated: 2022-01-21. Review status: criteria provided, single submitter. Criteria: Invitae Variant Classification Sherloc (09022015). Collection method: clinical testing. Allele origin: germline.
Comment: This sequence change replaces glutamine, which is neutral and polar, with lysine, which is basic and polar, at codon 3216 of the KMT2C protein (p.Gln3216Lys). In summary, the available evidence is currently insufficient to determine the role of this variant in disease. Therefore, it has been classified as a Variant of Uncertain Significance. Algorithms developed to predict the effect of missense changes on protein structure and function are either unavailable or do not agree on the potential impact of this missense change (SIFT: "Deleterious"; PolyPhen-2: "Probably Damaging"; Align-GVGD: "Class C0"). This variant has not been reported in the literature in individuals affected with KMT2C-related conditions. This variant is not present in population databases (gnomAD no frequency).

NM_170606.3(KMT2C):c.9646C>A (p.Gln3216Lys)

Gene: KMT2C (lysine methyltransferase 2C; minus strand). Cytogenetic location: 7q36.1.
Variant type: single nucleotide variant.
Coding change: c.9646C>A on transcript NM_170606.3 (MANE Select); coding-DNA position 9646, C replaced by A.
Protein change: p.Gln3216Lys; replaces glutamine 3216 with lysine.
Molecular consequence: missense variant.
Genome position (GRCh38, 1-based): chr7:152,167,250, G>T on the plus strand (C>A on the coding strand, the complement: KMT2C is on the minus strand). VCF-style: chr7-152167250-G-T. GRCh37 (hg19) VCF-style: chr7-151864335-G-T.
Other names: short protein forms Q3216K.
Identifiers: ClinVar variation 2088808 (VCV002088808.4), dbSNP rs2129106597, ClinGen allele CA370106703.